The following is an entry in ClinVar:

NM_198407.2(GHSR):c.737A>C (p.Asp246Ala)

Gene: GHSR (growth hormone secretagogue receptor; minus strand). Cytogenetic location: 3q26.31.
Variant type: single nucleotide variant.
Coding change: c.737A>C on transcript NM_198407.2 (MANE Select); coding-DNA position 737, A replaced by C.
Protein change: p.Asp246Ala; replaces aspartic acid 246 with alanine.
Molecular consequence: missense variant.
Genome position (GRCh38, 1-based): chr3:172,447,677, T>G on the plus strand (A>C on the coding strand, the complement: GHSR is on the minus strand). VCF-style: chr3-172447677-T-G. GRCh37 (hg19) VCF-style: chr3-172165467-T-G.
Other names: c.737A>C, p.Asp246Ala (NM_004122.2); short protein forms D246A.
Identifiers: ClinVar variation 2734589 (VCV002734589.3), dbSNP rs1188150090, ClinGen allele CA355513710.

ClinVar aggregate classification (germline): Uncertain significance (1 of 4 stars; one submission).

Submission:

Labcorp Genetics (formerly Invitae), Labcorp
Classification: Uncertain significance. Last evaluated: 2023-10-23. Review status: criteria provided, single submitter. Criteria: Invitae Variant Classification Sherloc (09022015). Collection method: clinical testing. Allele origin: germline.
Comment: This sequence change replaces aspartic acid, which is acidic and polar, with alanine, which is neutral and non-polar, at codon 246 of the GHSR protein (p.Asp246Ala). This variant is not present in population databases (gnomAD no frequency). This missense change has been observed in individual(s) with short stature (PMID: 21084395). Advanced modeling of protein sequence and biophysical properties (such as structural, functional, and spatial information, amino acid conservation, physicochemical variation, residue mobility, and thermodynamic stability) performed at Invitae indicates that this missense variant is not expected to disrupt GHSR protein function with a negative predictive value of 80%. Experimental studies have shown that this missense change affects GHSR function (PMID: 21084395). In summary, the available evidence is currently insufficient to determine the role of this variant in disease. Therefore, it has been classified as a Variant of Uncertain Significance.

Literature cited by the submitters: PubMed 21084395.